The following is an entry in ClinVar:

NM_007373.4(SHOC2):c.514C>T (p.Arg172Trp)

Gene: SHOC2 (SHOC2 leucine rich repeat scaffold protein; plus strand). Cytogenetic location: 10q25.2.
Variant type: single nucleotide variant.
Coding change: c.514C>T on transcript NM_007373.4 (MANE Select); coding-DNA position 514, C replaced by T.
Protein change: p.Arg172Trp; replaces arginine 172 with tryptophan.
Molecular consequence: missense variant.
Genome position (GRCh38, 1-based): chr10:110,964,872, C>T. VCF-style: chr10-110964872-C-T. GRCh37 (hg19) VCF-style: chr10-112724630-C-T.
Other names: c.514C>T, p.Arg172Trp (NM_001269039.3, NM_001324336.2, NM_001324337.2); short protein forms R172W.
Identifiers: ClinVar variation 372586 (VCV000372586.8), dbSNP rs1057517872, ClinGen allele CA16042705.

ClinVar aggregate classification (germline): Uncertain significance. Review status: criteria provided, multiple submitters, no conflicts (2 of 4 stars). 4 submissions from 4 submitters: Uncertain significance (4). Last evaluated 2025-10-01.

Conditions:
RASopathy. Also called: rasopathies; Noonan spectrum disorder. Identifiers: Orphanet 536391, MedGen C5555857, MONDO:0021060.
Noonan syndrome-like disorder with loose anagen hair 1 (NSLH1). Also called: TOSTI SYNDROME; MAZZANTI SYNDROME. Identifiers: Orphanet 2701, MedGen C4478716, MONDO:0054637, OMIM 607721.
Cardiovascular phenotype. Identifiers: MedGen CN230736.

Allele frequency attached by ClinVar (database versions not stated): gnomAD exomes 0.00001.
gnomAD v4.1: 8 of 1,613,964 alleles (0.0005%); highest among the groups gnomAD compares: South Asian, 0.0011%; no homozygotes.

Submissions (4):

Labcorp Genetics (formerly Invitae), Labcorp
Classification: Uncertain significance for RASopathy. Last evaluated: 2025-10-01. Review status: criteria provided, single submitter. Criteria: Invitae Variant Classification Sherloc (09022015). Collection method: clinical testing. Allele origin: germline.
Comment: This sequence change replaces arginine, which is basic and polar, with tryptophan, which is neutral and slightly polar, at codon 172 of the SHOC2 protein (p.Arg172Trp). This variant is not present in population databases (gnomAD no frequency). This variant has not been reported in the literature in individuals affected with SHOC2-related conditions. ClinVar contains an entry for this variant (Variation ID: 372586). Invitae Evidence Modeling of protein sequence and biophysical properties (such as structural, functional, and spatial information, amino acid conservation, physicochemical variation, residue mobility, and thermodynamic stability) indicates that this missense variant is not expected to disrupt SHOC2 protein function with a negative predictive value of 80%. In summary, the available evidence is currently insufficient to determine the role of this variant in disease. Therefore, it has been classified as a Variant of Uncertain Significance.

Ambry Genetics
Classification: Uncertain significance for Cardiovascular phenotype. Last evaluated: 2023-10-15. Review status: criteria provided, single submitter. Criteria: Ambry Variant Classification Scheme 2023. Collection method: clinical testing. Allele origin: germline.
Comment: The p.R172W variant (also known as c.514C>T), located in coding exon 1 of the SHOC2 gene, results from a C to T substitution at nucleotide position 514. The arginine at codon 172 is replaced by tryptophan, an amino acid with dissimilar properties. This amino acid position is conserved. In addition, the in silico prediction for this alteration is inconclusive. Since supporting evidence is limited at this time, the clinical significance of this alteration remains unclear.

Fulgent Genetics
Classification: Uncertain significance for Noonan syndrome-like disorder with loose anagen hair 1. Last evaluated: 2021-07-30. Review status: criteria provided, single submitter. Criteria: ACMG Guidelines, 2015. Collection method: clinical testing. Allele origin: unknown.

GeneDx
Classification: Uncertain significance. Last evaluated: 2015-03-27. Review status: criteria provided, single submitter. Criteria: GeneDx Variant Classification (06012015). Collection method: clinical testing. Allele origin: germline. Affected: yes.
Comment: The R172W variant has not been published as a pathogenic variant, nor has it been reported as a benign polymorphism to our knowledge. The R172W variant was not observed in approximately 6,500 individuals of European and African American ancestry in the NHLBI Exome Sequencing Project, indicating it is not a common benign variant in these populations. The R172W variant is a non-conservative amino acid substitution, which is likely to impact secondary protein structure as these residues differ in polarity, charge, size and/or other properties. This substitution occurs at a position that is not conserved across species. In silico analysis is inconsistent in its predictions as to whether or not the variant is damaging to the protein structure/function. One missense variant has been reported in the Human Gene Mutation Database in a nearby residue (M173I) in association with a rasopathy (Stenson et al., 2014). Therefore, based on the currently available information, it is unclear whether this variant is a pathogenic variant or a rare benign variant